The following is an entry in ClinVar:

NM_006019.4(TCIRG1):c.519C>T (p.Ala173=)

Gene: TCIRG1 (T cell immune regulator 1, ATPase H+ transporting V0 subunit a3; plus strand). Cytogenetic location: 11q13.2.
Variant type: single nucleotide variant.
Coding change: c.519C>T on transcript NM_006019.4 (MANE Select); coding-DNA position 519, C replaced by T.
Protein change: p.Ala173=; no amino-acid change (alanine 173 retained).
Molecular consequence: synonymous variant. On other transcripts: 5 prime UTR variant (2).
Genome position (GRCh38, 1-based): chr11:68,043,386, C>T. VCF-style: chr11-68043386-C-T. GRCh37 (hg19) VCF-style: chr11-67810853-C-T.
Other names: c.519C>T (NM_006019.3); c.-392C>T (NM_001351059.2); c.-130C>T (NM_006053.4).
Identifiers: ClinVar variation 1143324 (VCV001143324.10), dbSNP rs752722985, ClinGen allele CA6146743.

ClinVar aggregate classification (germline): Likely benign. Review status: criteria provided, multiple submitters, no conflicts (2 of 4 stars). 2 submissions from 2 submitters: Likely benign (2). Last evaluated 2026-01-06.

Conditions:
TCIRG1-related disorder. Also called: TCIRG1-related condition.

Allele frequency attached by ClinVar (database versions not stated): gnomAD exomes 0.00005; ExAC 0.00009.
gnomAD v4.1: 54 of 1,539,282 alleles (0.0035%); highest among the groups gnomAD compares: African/African-American, 0.018%; no homozygotes.

Submissions (2):

Labcorp Genetics (formerly Invitae), Labcorp
Classification: Likely benign. Last evaluated: 2026-01-06. Review status: criteria provided, single submitter. Criteria: Invitae Variant Classification Sherloc (09022015). Collection method: clinical testing. Allele origin: germline.

PreventionGenetics, part of Exact Sciences
Classification: Likely benign for TCIRG1-related condition. Last evaluated: 2025-11-03. Review status: criteria provided, single submitter. Criteria: ACMG Guidelines, 2015. Collection method: clinical testing. Allele origin: germline.
Comment: This variant is classified as likely benign based on ACMG/AMP sequence variant interpretation guidelines (Richards et al. 2015 PMID: 25741868, with internal and published modifications).